The following is an entry in ClinVar:

NM_000545.8(HNF1A):c.341G>A (p.Arg114His)

Gene: HNF1A (HNF1 homeobox A; plus strand). Cytogenetic location: 12q24.31.
Variant type: single nucleotide variant.
Coding change: c.341G>A on transcript NM_000545.8 (MANE Select); coding-DNA position 341, G replaced by A.
Protein change: p.Arg114His; replaces arginine 114 with histidine.
Molecular consequence: missense variant.
Genome position (GRCh38, 1-based): chr12:120,988,847, G>A. VCF-style: chr12-120988847-G-A. GRCh37 (hg19) VCF-style: chr12-121426650-G-A.
Other names: c.341G>A, p.Arg114His (NM_001306179.2); short protein forms R114H.
Identifiers: ClinVar variation 134508 (VCV000134508.20), dbSNP rs139016696, ClinGen allele CA160010.

ClinVar aggregate classification (germline): Conflicting classifications of pathogenicity. Review status: criteria provided, conflicting classifications (1 of 4 stars). 11 submissions from 11 submitters: Uncertain significance (8); Likely benign (2). 1 of the submissions does not count toward it. Last evaluated 2026-02-20.

Conditions:
HNF1A-related disorder. Also called: HNF1A-related condition.
Type 1 diabetes mellitus 20 (T1D20). Also called: Diabetes mellitus, insulin-dependent, 20. Identifiers: MedGen C2675866, MONDO:0012919, OMIM 612520.
Maturity-onset diabetes of the young type 3. Also called: MODY type 3; MODY, type III. Identifiers: Orphanet 552, MedGen C1838100, MeSH C563933, MONDO:0010894, OMIM 600496. Disease mechanism: loss of function.
Type 2 diabetes mellitus. Also called: Type II diabetes mellitus. Identifiers: MedGen C0011860, MeSH D003924, MONDO:0005148, OMIM 125853, HP:0005978.
Diabetes mellitus type 1 (T1D). Also called: Diabetes Mellitus, Juvenile-Onset; Type I diabetes mellitus. Identifiers: MedGen C0011854, MONDO:0005147, OMIM 222100, HP:0100651.
Hepatic adenomas, familial. Also called: LIVER CELL ADENOMAS, FAMILIAL; HEPATIC ADENOMA, SOMATIC. Identifiers: MedGen C1840646, MONDO:0007718, OMIM 142330.
Nonpapillary renal cell carcinoma. Identifiers: Orphanet 422526, MedGen CN074294, MONDO:0007763, OMIM 144700.

Allele frequency attached by ClinVar (database versions not stated): gnomAD 0.00006 and 0.00007; TOPMed 0.00006; ESP Exome Variant Server 0.00023.
gnomAD v4.1: 78 of 1,614,100 alleles (0.0048%); highest among the groups gnomAD compares: African/African-American, 0.008%; no homozygotes.

Submissions (11):

GeneDx
Classification: Likely benign. Last evaluated: 2026-02-20. Review status: criteria provided, single submitter. Criteria: GeneDx Variant Classification Process June 2021. Collection method: clinical testing. Allele origin: germline.
Comment: See Variant Classification Assertion Criteria.

PreventionGenetics, part of Exact Sciences
Classification: Uncertain significance for HNF1A-related condition. Last evaluated: 2026-01-21. Review status: criteria provided, single submitter. Criteria: ACMG Guidelines, 2015. Collection method: clinical testing. Allele origin: germline.
Comment: The HNF1A c.341G>A variant is predicted to result in the amino acid substitution p.Arg114His. This variant has been reported in two individuals with diabetes (Pihoker et al. 2013. PubMed ID: 23771925; Table S3, Bonnefond et al. 2020. PubMed ID: 33046911). An in vitro experimental study suggests this variant has preserved functional activity with 83% of wild-type transcriptional activity and 81% nuclear localization (Najmi et al. 2016. PubMed ID: 27899486). This variant is reported in 0.016% of alleles in individuals of African descent in gnomAD. An alternate missense substitution affecting the same amino acid (p.Arg114Cys) has also been reported in individuals with maturity-onset diabetes of the young (Radha et al. 2009. PubMed ID: 19336507; Balamurugan et al. 2016. PubMed ID: 26853433). At this time, the clinical significance of the c.341G>A (p.Arg114His) variant is uncertain due to the absence of conclusive functional and genetic evidence.

Women's Health and Genetics/Laboratory Corporation of America, LabCorp
Classification: Likely benign. Last evaluated: 2024-07-16. Review status: criteria provided, single submitter. Criteria: LabCorp Variant Classification Summary - May 2015. Collection method: clinical testing. Allele origin: germline.
Comment: Variant summary: HNF1A c.341G>A (p.Arg114His) results in a non-conservative amino acid change located in the hepatocyte nuclear factor 1, N-terminal domain (IPR006899) of the encoded protein sequence. Three of five in-silico tools predict a damaging effect of the variant on protein function. The variant allele was found at a frequency of 4.4e-05 in 252644 control chromosomes. The variant allele was found at a frequency of 4.9e-05 in 1615462 control chromosomes. The observed variant frequency is approximately 2 fold of the estimated maximal expected allele frequency for a pathogenic variant in HNF1A causing Maturity Onset Diabetes Of The Young 3 phenotype (2.5e-05). c.341G>A has been reported in the literature in individuals affected with diabetes mellitus and suspected of maturity-onset diabetes of the young (MODY) (e.g. Najmi_2017, Pihoker_2013) as well as in unaffected individuals (e.g. Najmi_2017, Bodian_2014). Experimental studies using HeLa cells in vitro showed that this variant results in 83-100% transactivation activity and 81% nuclear localization compared to wildtype (e.g. Najmi_2017, Kickova_2014). The following publications have been ascertained in the context of this evaluation (PMID: 24728327, 38093550, 27899486, 23771925). ClinVar contains an entry for this variant (Variation ID: 134508). Based on the evidence outlined above, the variant was classified as likely benign.

Fulgent Genetics
Classification: Uncertain significance for Type 2 diabetes mellitus; Hepatic adenomas, familial; Nonpapillary renal cell carcinoma; Diabetes mellitus type 1; Maturity-onset diabetes of the young type 3; Type 1 diabetes mellitus 20. Last evaluated: 2024-05-19. Review status: criteria provided, single submitter. Criteria: ACMG Guidelines, 2015. Collection method: clinical testing. Allele origin: germline.

Blueprint Genetics
Classification: Uncertain significance. Last evaluated: 2023-06-21. Review status: criteria provided, single submitter. Criteria: ACMG Guidelines, 2015. Collection method: clinical testing. Allele origin: germline.

New York Genome Center
Classification: Uncertain significance for Type 1 diabetes mellitus 20; Diabetes mellitus type 1; Type 2 diabetes mellitus; Maturity-onset diabetes of the young type 3. Last evaluated: 2021-10-26. Review status: criteria provided, single submitter. Criteria: NYGC Assertion Criteria 2020. Collection method: clinical testing. Allele origin: germline. Observed: 1 heterozygote.

Labcorp Genetics (formerly Invitae), Labcorp
Classification: Uncertain significance. Last evaluated: 2021-08-27. Review status: criteria provided, single submitter. Criteria: Invitae Variant Classification Sherloc (09022015). Collection method: clinical testing. Allele origin: germline.
Comment: This sequence change replaces arginine with histidine at codon 114 of the HNF1A protein (p.Arg114His). The arginine residue is moderately conserved and there is a small physicochemical difference between arginine and histidine. This variant is present in population databases (rs139016696, ExAC 0.009%). This missense change has been observed in individual(s) with maturity-onset diabetes of the young (PMID: 23771925, 27899486). ClinVar contains an entry for this variant (Variation ID: 134508). Algorithms developed to predict the effect of missense changes on protein structure and function (SIFT, PolyPhen-2, Align-GVGD) all suggest that this variant is likely to be tolerated. Experimental studies have shown that this missense change does not substantially affect HNF1A function (PMID: 27899486). In summary, the available evidence is currently insufficient to determine the role of this variant in disease. Therefore, it has been classified as a Variant of Uncertain Significance.

Seattle Children's Hospital Molecular Genetics Laboratory, Seattle Children's Hospital
Classification: Uncertain significance. Last evaluated: 2020-08-21. Review status: criteria provided, single submitter. Criteria: ACMG Guidelines, 2015. Collection method: clinical testing. Allele origin: germline. Affected: yes.
Comment: This variant substitutes the arginine at position 114 with histidine. This is a semi-conserved residue (the alternate residue histidine is observed in several species) and in silico tools have conflicting predictions about the possible impact of this missense change on protein function. This is a rare variant, observed in 14 of 282,682 alleles in the Genome Aggregation Database (v2.1.1). There are conflicting reports in the literature about the clinical significance of this variant. The p.Arg114His variant has been reported as pathogenic in a single individual with MODY (PMID: 23771925). Clinical details and inheritance information were not available. The p.Arg114His variant has also been reported in a cohort of healthy adults (PMID: 24728327, Table S1). Functional studies assessing transcriptional activation and subcellular nuclear localization showed only modest changes for the p.Arg114His variant in comparison to wildtype HNF1A (PMID: 27899486).

Genetic Services Laboratory, University of Chicago
Classification: Uncertain significance. Last evaluated: 2015-11-04. Review status: criteria provided, single submitter. Criteria: ACMG Guidelines, 2015. Collection method: clinical testing. Allele origin: germline. Affected: no.

Breakthrough Genomics
Classification: Uncertain significance. Review status: criteria provided, single submitter. Criteria: ACMG Guidelines, 2015. Collection method: not provided. Allele origin: germline. Inheritance: Autosomal recessive inheritance. Affected: yes.

ITMI
No classification provided. Condition: AllHighlyPenetrant. Last evaluated: 2013-09-19. Review status: no classification provided. Collection method: reference population. Allele origin: germline. Not counted in ClinVar's aggregate classification.
Comment: Please see associated publication for description of ethnicities

Literature cited by the submitters: PubMed 24728327 (cited by Women's Health and Genetics/Laboratory Corporation of America, LabCorp and ITMI); PubMed 27899486 (cited by Women's Health and Genetics/Laboratory Corporation of America, LabCorp and Labcorp Genetics (formerly Invitae), Labcorp); PubMed 23771925 (cited by Women's Health and Genetics/Laboratory Corporation of America, LabCorp and Labcorp Genetics (formerly Invitae), Labcorp); PubMed 38093550 (cited by Women's Health and Genetics/Laboratory Corporation of America, LabCorp).